The following is an entry in ClinVar:

NM_001378454.1(ALMS1):c.2087C>T (p.Ser696Leu)

Gene: ALMS1 (ALMS1 centrosome and basal body associated protein; plus strand). Cytogenetic location: 2p13.1.
Variant type: single nucleotide variant.
Coding change: c.2087C>T on transcript NM_001378454.1 (MANE Select); coding-DNA position 2087, C replaced by T.
Protein change: p.Ser696Leu; replaces serine 696 with leucine.
Molecular consequence: missense variant.
Genome position (GRCh38, 1-based): chr2:73,448,614, C>T. VCF-style: chr2-73448614-C-T. GRCh37 (hg19) VCF-style: chr2-73675741-C-T.
Other names: c.2090C>T, p.Ser697Leu (NM_015120.4); short protein forms S696L, S697L.
Identifiers: ClinVar variation 3777404 (VCV003777404.1).

ClinVar aggregate classification (germline): Uncertain significance (1 of 4 stars; one submission).

gnomAD v4.1: 4 of 1,614,020 alleles (0.00025%); highest among the groups gnomAD compares: African/African-American, 0.0013%; no homozygotes.

Submission:

GeneDx
Classification: Uncertain significance. Last evaluated: 2024-10-14. Review status: criteria provided, single submitter. Criteria: GeneDx Variant Classification Process June 2021. Collection method: clinical testing. Allele origin: germline. Affected: yes.
Comment: Not observed at significant frequency in large population cohorts (gnomAD); In silico analysis indicates that this missense variant does not alter protein structure/function; Has not been previously published as pathogenic or benign to our knowledge